The following is an entry in ClinVar:

ClinVar aggregate classification (germline): Conflicting classifications of pathogenicity. Review status: criteria provided, conflicting classifications (1 of 4 stars). 7 submissions from 6 submitters: Uncertain significance (2); Likely benign (4). 1 of the submissions does not count toward it. Last evaluated 2025-12-03.

Conditions:
RAB3GAP2-related disorder. Also called: RAB3GAP2-related condition; RAB3GAP2-related disorders.
Warburg micro syndrome 2 (WARBM2). Also called: MICRO SYNDROME 2. Identifiers: Orphanet 2510, MedGen C3280214, MONDO:0013641, OMIM 614225.
Martsolf syndrome (MARTS). Also called: Congenital cataract with intellectual disability and hypogonadotropic hypogonadism syndrome. Identifiers: Orphanet 1387, MedGen C0796037, MONDO:0023910.

Allele frequency attached by ClinVar (database versions not stated): 1000 Genomes Project 30x 0.00016; 1000 Genomes Project 0.00020; TOPMed 0.00035; ExAC 0.00037; ESP Exome Variant Server 0.00038; gnomAD 0.00042 and 0.00044; gnomAD exomes 0.00047 and 0.00048.
gnomAD v4.1: 762 of 1,611,798 alleles (0.047%); highest among the groups gnomAD compares: Middle Eastern, 0.17%; 1 homozygote.

Submissions (7):

Labcorp Genetics (formerly Invitae), Labcorp
Classification: Likely benign for Martsolf syndrome; Warburg micro syndrome 2. Last evaluated: 2025-12-03. Review status: criteria provided, single submitter. Criteria: Invitae Variant Classification Sherloc (09022015). Collection method: clinical testing. Allele origin: germline.

Mayo Clinic Laboratories, Mayo Clinic
Classification: Likely benign. Last evaluated: 2025-10-17. Review status: criteria provided, single submitter. Criteria: ACMG Guidelines, 2015. Collection method: clinical testing. Allele origin: germline. Observed: 1 variant allele.
Comment: BS1, BP4_moderate

CeGaT Center for Human Genetics Tuebingen
Classification: Likely benign. Last evaluated: 2025-06-01. Review status: criteria provided, single submitter. Criteria: CeGaT Center For Human Genetics Tuebingen Variant Classification Criteria Version 2. Collection method: clinical testing. Allele origin: germline. Affected: yes. Observed: 1 variant allele.
Comment: RAB3GAP2: BP4

GeneDx
Classification: Likely benign. Last evaluated: 2018-02-12. Review status: criteria provided, single submitter. Criteria: GeneDx Variant Classification (06012015). Collection method: clinical testing. Allele origin: germline. Affected: yes.
Comment: This variant is considered likely benign or benign based on one or more of the following criteria: it is a conservative change, it occurs at a poorly conserved position in the protein, it is predicted to be benign by multiple in silico algorithms, and/or has population frequency not consistent with disease.

Illumina Laboratory Services, Illumina
Classification: Uncertain significance for Martsolf syndrome 1. Last evaluated: 2018-01-13. Review status: criteria provided, single submitter. Criteria: ICSL Variant Classification Criteria 13 December 2019. Collection method: clinical testing. Allele origin: germline.

Illumina Laboratory Services, Illumina
Classification: Uncertain significance for Warburg micro syndrome 2. Last evaluated: 2018-01-13. Review status: criteria provided, single submitter. Criteria: ICSL Variant Classification Criteria 13 December 2019. Collection method: clinical testing. Allele origin: germline.

PreventionGenetics, part of Exact Sciences
Classification: Likely benign for RAB3GAP2-related condition. Last evaluated: 2020-07-23. Review status: no assertion criteria provided. Collection method: clinical testing. Allele origin: germline. Not counted in ClinVar's aggregate classification.
Comment: This variant is classified as likely benign based on ACMG/AMP sequence variant interpretation guidelines (Richards et al. 2015 PMID: 25741868, with internal and published modifications).

NM_012414.4(RAB3GAP2):c.2168T>A (p.Val723Glu)

Gene: RAB3GAP2 (RAB3 GTPase activating non-catalytic protein subunit 2; minus strand). Cytogenetic location: 1q41.
Variant type: single nucleotide variant.
Coding change: c.2168T>A on transcript NM_012414.4 (MANE Select); coding-DNA position 2168, T replaced by A.
Protein change: p.Val723Glu; replaces valine 723 with glutamic acid.
Molecular consequence: missense variant.
Genome position (GRCh38, 1-based): chr1:220,182,762, A>T on the plus strand (T>A on the coding strand, the complement: RAB3GAP2 is on the minus strand). VCF-style: chr1-220182762-A-T. GRCh37 (hg19) VCF-style: chr1-220356104-A-T.
Other names: p.Val723Glu; short protein forms V723E.
Identifiers: ClinVar variation 295652 (VCV000295652.27), dbSNP rs150643803, ClinGen allele CA1402497.